The following is an entry in ClinVar:

ClinVar aggregate classification (germline): Uncertain significance (1 of 4 stars; one submission).

Conditions:
Progressive familial heart block type IB (PFHB1B). Identifiers: Orphanet 871, MedGen C1970298, MONDO:0011474, OMIM 604559.

Submission:

Labcorp Genetics (formerly Invitae), Labcorp
Classification: Uncertain significance for Progressive familial heart block type IB. Last evaluated: 2023-08-16. Review status: criteria provided, single submitter. Criteria: Invitae Variant Classification Sherloc (09022015). Collection method: clinical testing. Allele origin: germline.
Comment: In summary, the available evidence is currently insufficient to determine the role of this variant in disease. Therefore, it has been classified as a Variant of Uncertain Significance. An algorithm developed to predict the effect of missense changes on protein structure and function (PolyPhen-2) suggests that this variant is likely to be disruptive. This variant has not been reported in the literature in individuals affected with TRPM4-related conditions. This variant is not present in population databases (gnomAD no frequency). This sequence change replaces glycine, which is neutral and non-polar, with glutamic acid, which is acidic and polar, at codon 305 of the TRPM4 protein (p.Gly305Glu).

NM_017636.4(TRPM4):c.914G>A (p.Gly305Glu)

Gene: TRPM4 (transient receptor potential cation channel subfamily M member 4; plus strand). Cytogenetic location: 19q13.33.
Variant type: single nucleotide variant.
Coding change: c.914G>A on transcript NM_017636.4 (MANE Select); coding-DNA position 914, G replaced by A.
Protein change: p.Gly305Glu; replaces glycine 305 with glutamic acid.
Molecular consequence: missense variant. On other transcripts: 5 prime UTR variant (1).
Genome position (GRCh38, 1-based): chr19:49,171,633, G>A. VCF-style: chr19-49171633-G-A. GRCh37 (hg19) VCF-style: chr19-49674890-G-A.
Other names: c.914G>A, p.Gly305Glu (NM_001195227.2); c.569G>A, p.Gly190Glu (NM_001321281.2); c.-640G>A (NM_001321282.2); c.392G>A, p.Gly131Glu (NM_001321283.2); c.65G>A, p.Gly22Glu (NM_001321285.2); short protein forms G131E, G190E, G305E, G22E.
Identifiers: ClinVar variation 2970773 (VCV002970773.3), dbSNP rs1256983216, ClinGen allele CA406793982.